The following is an entry in ClinVar:

NM_000321.3(RB1):c.2194C>T (p.Pro732Ser)

Gene: RB1 (RB transcriptional corepressor 1; plus strand). Cytogenetic location: 13q14.2.
Variant type: single nucleotide variant.
Coding change: c.2194C>T on transcript NM_000321.3 (MANE Select); coding-DNA position 2194, C replaced by T.
Protein change: p.Pro732Ser; replaces proline 732 with serine.
Molecular consequence: missense variant.
Genome position (GRCh38, 1-based): chr13:48,463,818, C>T. VCF-style: chr13-48463818-C-T. GRCh37 (hg19) VCF-style: chr13-49037954-C-T.
Other names: short protein forms P732S.
Identifiers: ClinVar variation 1468039 (VCV001468039.6), dbSNP rs2138342656, ClinGen allele CA388167203.

ClinVar aggregate classification (germline): Uncertain significance (1 of 4 stars; one submission).

Conditions:
Retinoblastoma (RB1). Also called: RETINOBLASTOMA, SOMATIC. Identifiers: Orphanet 790, MedGen C0035335, MeSH D012175, MONDO:0008380, OMIM 180200, HP:0009919. Disease mechanism: loss of function. Inheritance: Both sporadic and heritable forms are tested..

Submission:

Labcorp Genetics (formerly Invitae), Labcorp
Classification: Uncertain significance for Retinoblastoma. Last evaluated: 2022-07-11. Review status: criteria provided, single submitter. Criteria: Invitae Variant Classification Sherloc (09022015). Collection method: clinical testing. Allele origin: germline.
Comment: In summary, the available evidence is currently insufficient to determine the role of this variant in disease. Therefore, it has been classified as a Variant of Uncertain Significance. Algorithms developed to predict the effect of missense changes on protein structure and function (SIFT, PolyPhen-2, Align-GVGD) all suggest that this variant is likely to be tolerated. ClinVar contains an entry for this variant (Variation ID: 1468039). This variant has not been reported in the literature in individuals affected with RB1-related conditions. This variant is not present in population databases (gnomAD no frequency). This sequence change replaces proline, which is neutral and non-polar, with serine, which is neutral and polar, at codon 732 of the RB1 protein (p.Pro732Ser).